The following is an entry in ClinVar:

ClinVar aggregate classification (germline): Uncertain significance (1 of 4 stars; one submission).

gnomAD v4.1: 3 of 1,210,787 alleles (0.00025%); highest among the groups gnomAD compares: Non-Finnish European, 0.00034%; no homozygotes.

Submission:

GeneDx
Classification: Uncertain significance. Last evaluated: 2023-05-27. Review status: criteria provided, single submitter. Criteria: GeneDx Variant Classification Process June 2021. Collection method: clinical testing. Allele origin: germline. Affected: yes.
Comment: Not observed at significant frequency in large population cohorts (gnomAD); In silico analysis supports that this missense variant does not alter protein structure/function; Has not been previously published as pathogenic or benign to our knowledge

NM_001123385.2(BCOR):c.3298C>A (p.Leu1100Ile)

Gene: BCOR (BCL6 corepressor; minus strand). Cytogenetic location: Xp11.4.
Variant type: single nucleotide variant.
Coding change: c.3298C>A on transcript NM_001123385.2 (MANE Select); coding-DNA position 3298, C replaced by A.
Protein change: p.Leu1100Ile; replaces leucine 1100 with isoleucine.
Molecular consequence: missense variant.
Genome position (GRCh38, 1-based): chrX:40,064,540, G>T on the plus strand (C>A on the coding strand, the complement: BCOR is on the minus strand). VCF-style: chrX-40064540-G-T. GRCh37 (hg19) VCF-style: chrX-39923793-G-T.
Other names: c.3298C>A, p.Leu1100Ile (NM_017745.6, NM_001123383.2); c.3244C>A, p.Leu1082Ile (NM_001123384.2); short protein forms L1082I, L1100I.
Identifiers: ClinVar variation 3362179 (VCV003362179.1).